The following is an entry in ClinVar:

NM_024675.4(PALB2):c.1836T>C (p.Phe612=)

Gene: PALB2 (partner and localizer of BRCA2; minus strand). Cytogenetic location: 16p12.2.
Variant type: single nucleotide variant.
Coding change: c.1836T>C on transcript NM_024675.4 (MANE Select); coding-DNA position 1836, T replaced by C.
Protein change: p.Phe612=; no amino-acid change (phenylalanine 612 retained).
Molecular consequence: synonymous variant. On other transcripts: intron variant (1).
Genome position (GRCh38, 1-based): chr16:23,630,318, A>G on the plus strand (T>C on the coding strand, the complement: PALB2 is on the minus strand). VCF-style: chr16-23630318-A-G. GRCh37 (hg19) VCF-style: chr16-23641639-A-G.
Other names: c.1776T>C, p.Phe592= (NM_001407296.1); c.1836T>C, p.Phe612= (NM_001407297.1, NM_001407298.1, NM_001407299.1 and 3 more transcripts); c.951T>C, p.Phe317= (NM_001407304.1, NM_001407305.1, NM_001407306.1 and 5 more transcripts); c.48T>C, p.Phe16= (NM_001407312.1, NM_001407313.1); c.49-1043T>C (NM_001407314.1).
Identifiers: ClinVar variation 2736901 (VCV002736901.4), dbSNP rs2142388126, ClinGen allele CA494461241.

ClinVar aggregate classification (germline): Benign/Likely benign. Review status: criteria provided, multiple submitters, no conflicts (2 of 4 stars). 2 submissions from 2 submitters: Benign (1); Likely benign (1). Last evaluated 2025-01-14.

Conditions:
Familial cancer of breast. Also called: BREAST CANCER, FAMILIAL; Hereditary breast cancer; hereditary breast carcinoma. Identifiers: Orphanet 227535, MedGen C0346153, MONDO:0016419, OMIM 114480. Disease mechanism: loss of function.

Allele frequency attached by ClinVar (database versions not stated): gnomAD exomes below 0.00001.

Submissions (2):

Myriad Genetics, Inc.
Classification: Benign for Familial cancer of breast. Last evaluated: 2025-01-14. Review status: criteria provided, single submitter. Criteria: Myriad Autosomal Dominant, Autosomal Recessive and X-Linked Classification Criteria (2023). Collection method: clinical testing. Allele origin: unknown.
Comment: This variant is considered benign. This variant is a silent/synonymous amino acid change and it is not expected to impact splicing.

Labcorp Genetics (formerly Invitae), Labcorp
Classification: Likely benign for Familial cancer of breast. Last evaluated: 2023-07-07. Review status: criteria provided, single submitter. Criteria: Invitae Variant Classification Sherloc (09022015). Collection method: clinical testing. Allele origin: germline.